The following is an entry in ClinVar:

ClinVar aggregate classification (germline): Uncertain significance. Review status: criteria provided, multiple submitters, no conflicts (2 of 4 stars). 3 submissions from 3 submitters: Uncertain significance (3). Last evaluated 2024-12-02.

Conditions:
ABCG5-related disorder. Also called: ABCG5-related condition.
Sitosterolemia 1. Identifiers: MedGen C2749759, MONDO:0020747, OMIM 210250.
Cardiovascular phenotype. Identifiers: MedGen CN230736.

Allele frequency attached by ClinVar (database versions not stated): gnomAD exomes 0.00001.
gnomAD v4.1: 5 of 1,614,228 alleles (0.00031%); no homozygotes.

Submissions (3):

PreventionGenetics, part of Exact Sciences
Classification: Uncertain significance for ABCG5-related condition. Last evaluated: 2024-12-02. Review status: criteria provided, single submitter. Criteria: ACMG Guidelines, 2015. Collection method: clinical testing. Allele origin: germline.
Comment: The ABCG5 c.1196T>G variant is predicted to result in the amino acid substitution p.Phe399Cys. To our knowledge, this variant has not been reported in the literature. This variant is reported in 0.020% of alleles in individuals of Ashkenazi Jewish descent in gnomAD. At this time, the clinical significance of this variant is uncertain due to the absence of conclusive functional and genetic evidence.

Ambry Genetics
Classification: Uncertain significance for Cardiovascular phenotype. Last evaluated: 2022-09-08. Review status: criteria provided, single submitter. Criteria: Ambry Variant Classification Scheme 2023. Collection method: clinical testing. Allele origin: germline.
Comment: The p.F399C variant (also known as c.1196T>G), located in coding exon 9 of the ABCG5 gene, results from a T to G substitution at nucleotide position 1196. The phenylalanine at codon 399 is replaced by cysteine, an amino acid with highly dissimilar properties. This amino acid position is conserved. In addition, the in silico prediction for this alteration is inconclusive. Since supporting evidence is limited at this time, the clinical significance of this alteration remains unclear.

Illumina Laboratory Services, Illumina
Classification: Uncertain significance for Sitosterolemia 1. Last evaluated: 2018-01-13. Review status: criteria provided, single submitter. Criteria: ICSL Variant Classification Criteria 13 December 2019. Collection method: clinical testing. Allele origin: germline.

NM_022436.3(ABCG5):c.1196T>G (p.Phe399Cys)

Genes: ABCG5 (ATP binding cassette subfamily G member 5; minus strand), DYNC2LI1 (dynein cytoplasmic 2 light intermediate chain 1; plus strand). Cytogenetic location: 2p21.
Variant type: single nucleotide variant.
Coding change: c.1196T>G on transcript NM_022436.3 (MANE Select); coding-DNA position 1196, T replaced by G.
Protein change: p.Phe399Cys; replaces phenylalanine 399 with cysteine.
Molecular consequence: missense variant. On other transcripts: intron variant (2).
Genome position (GRCh38, 1-based): chr2:43,824,041, A>C on the plus strand (T>G on the coding strand, the complement: ABCG5 is on the minus strand). VCF-style: chr2-43824041-A-C. GRCh37 (hg19) VCF-style: chr2-44051180-A-C.
Other names: c.*16-3345A>C (NM_001348913.2, NM_001348912.2); short protein forms F399C.
Identifiers: ClinVar variation 894968 (VCV000894968.9), dbSNP rs1369215333, ClinGen allele CA346664292.
Genomic context (GRCh38, chr2:43,824,041, plus strand): 5'-CGGTCCTGGATAGCACCCTTTAGCACATTGCTTCGGACCCGCAGAACGAAGAAAAGGAGG[A>C]ACAAACCCATGATCAGATTCTGAAGGAGACGCGTAATCACTGCCAGCTTATTTCTCACCA-3'
Protein context (NP_071881.1, residues 389-409): RLLQNLIMGL[Phe399Cys]LLFFVLRVRS